The following is an entry in ClinVar:

NM_001042492.3(NF1):c.5101A>G (p.Lys1701Glu)

Gene: NF1 (neurofibromin 1; plus strand). Cytogenetic location: 17q11.2.
Variant type: single nucleotide variant.
Coding change: c.5101A>G on transcript NM_001042492.3 (MANE Select); coding-DNA position 5101, A replaced by G.
Protein change: p.Lys1701Glu; replaces lysine 1701 with glutamic acid.
Molecular consequence: missense variant.
Genome position (GRCh38, 1-based): chr17:31,326,085, A>G. VCF-style: chr17-31326085-A-G. GRCh37 (hg19) VCF-style: chr17-29653103-A-G.
Other names: c.5038A>G, p.Lys1680Glu (NM_000267.4); short protein forms K1680E, K1701E.
Identifiers: ClinVar variation 1744927 (VCV001744927.2), dbSNP rs876659279, ClinGen allele CA399007585.

ClinVar aggregate classification (germline): Uncertain significance (1 of 4 stars; one submission).

Conditions:
Cardiovascular phenotype. Identifiers: MedGen CN230736.
Hereditary cancer-predisposing syndrome. Also called: Hereditary Cancer Syndrome; Neoplastic Syndromes, Hereditary; Tumor predisposition; Hereditary neoplastic syndrome. Identifiers: Orphanet 140162, MedGen C0027672, MeSH D009386, MONDO:0015356.

Submission:

Ambry Genetics
Classification: Uncertain significance for Cardiovascular phenotype; Hereditary cancer-predisposing syndrome. Last evaluated: 2020-12-05. Review status: criteria provided, single submitter. Criteria: Ambry Variant Classification Scheme 2023. Collection method: clinical testing. Allele origin: germline.
Comment: The p.K1680E variant (also known as c.5038A>G), located in coding exon 36 of the NF1 gene, results from an A to G substitution at nucleotide position 5038. The lysine at codon 1680 is replaced by glutamic acid, an amino acid with similar properties. This amino acid position is highly conserved in available vertebrate species. In addition, this alteration is predicted to be deleterious by in silico analysis. Since supporting evidence is limited at this time, the clinical significance of this alteration remains unclear.